The following is an entry in ClinVar:

ClinVar aggregate classification (germline): Uncertain significance (1 of 4 stars; one submission).

Conditions:
Hereditary cancer-predisposing syndrome. Also called: Tumor predisposition; Neoplastic Syndromes, Hereditary; Hereditary Cancer Syndrome; Hereditary neoplastic syndrome. Identifiers: Orphanet 140162, MedGen C0027672, MeSH D009386, MONDO:0015356.

Submission:

Ambry Genetics
Classification: Uncertain significance for Hereditary cancer-predisposing syndrome. Last evaluated: 2024-09-24. Review status: criteria provided, single submitter. Criteria: Ambry Variant Classification Scheme 2023. Collection method: clinical testing. Allele origin: germline.
Comment: The p.K134E variant (also known as c.400A>G), located in coding exon 1 of the CDKN1B gene, results from an A to G substitution at nucleotide position 400. The lysine at codon 134 is replaced by glutamic acid, an amino acid with similar properties. This amino acid position is not well conserved in available vertebrate species. In addition, this alteration is predicted to be tolerated by in silico analysis. Based on the available evidence, the clinical significance of this variant remains unclear.

NM_004064.5(CDKN1B):c.400A>G (p.Lys134Glu)

Gene: CDKN1B (cyclin dependent kinase inhibitor 1B; plus strand). Cytogenetic location: 12p13.1.
Variant type: single nucleotide variant.
Coding change: c.400A>G on transcript NM_004064.5 (MANE Select); coding-DNA position 400, A replaced by G.
Protein change: p.Lys134Glu; replaces lysine 134 with glutamic acid.
Molecular consequence: missense variant.
Genome position (GRCh38, 1-based): chr12:12,718,239, A>G. VCF-style: chr12-12718239-A-G. GRCh37 (hg19) VCF-style: chr12-12871173-A-G.
Other names: short protein forms K134E.
Identifiers: ClinVar variation 3489629 (VCV003489629.1).